The following is an entry in ClinVar:

NM_001365088.1(SLC12A6):c.148A>C (p.Ser50Arg)

Gene: SLC12A6 (solute carrier family 12 member 6; minus strand). Cytogenetic location: 15q14.
Variant type: single nucleotide variant.
Coding change: c.148A>C on transcript NM_001365088.1 (MANE Select); coding-DNA position 148, A replaced by C.
Protein change: p.Ser50Arg; replaces serine 50 with arginine.
Molecular consequence: missense variant. On other transcripts: 5 prime UTR variant (2).
Genome position (GRCh38, 1-based): chr15:34,336,533, T>G on the plus strand (A>C on the coding strand, the complement: SLC12A6 is on the minus strand). VCF-style: chr15-34336533-T-G. GRCh37 (hg19) VCF-style: chr15-34628734-T-G.
Other names: p.Ser50Arg; c.-30A>C (NM_001042494.2, NM_001042495.2); c.121A>C, p.Ser41Arg (NM_001042496.2); c.148A>C, p.Ser50Arg (NM_001042497.2, NM_133647.2); short protein forms S50R, S41R.
Identifiers: ClinVar variation 315625 (VCV000315625.10), dbSNP rs746317063, ClinGen allele CA7464706.

ClinVar aggregate classification (germline): Uncertain significance. Review status: criteria provided, multiple submitters, no conflicts (2 of 4 stars). 2 submissions from 2 submitters: Uncertain significance (2). Last evaluated 2026-01-08.

Allele frequency attached by ClinVar (database versions not stated): ExAC 0.00001; gnomAD exomes 0.00002; TOPMed 0.00002; gnomAD 0.00003 and 0.00004.
gnomAD v4.1: 35 of 1,613,988 alleles (0.0022%); highest among the groups gnomAD compares: Non-Finnish European, 0.0028%; no homozygotes.

Submissions (2):

Labcorp Genetics (formerly Invitae), Labcorp
Classification: Uncertain significance. Last evaluated: 2026-01-08. Review status: criteria provided, single submitter. Criteria: Invitae Variant Classification Sherloc (09022015). Collection method: clinical testing. Allele origin: germline.
Comment: This sequence change replaces serine, which is neutral and polar, with arginine, which is basic and polar, at codon 50 of the SLC12A6 protein (p.Ser50Arg). This variant is present in population databases (rs746317063, gnomAD 0.008%). This variant has not been reported in the literature in individuals affected with SLC12A6-related conditions. ClinVar contains an entry for this variant (Variation ID: 315625). Invitae Evidence Modeling of protein sequence and biophysical properties (such as structural, functional, and spatial information, amino acid conservation, physicochemical variation, residue mobility, and thermodynamic stability) indicates that this missense variant is not expected to disrupt SLC12A6 protein function with a negative predictive value of 95%. In summary, the available evidence is currently insufficient to determine the role of this variant in disease. Therefore, it has been classified as a Variant of Uncertain Significance.

Mayo Clinic Laboratories, Mayo Clinic
Classification: Uncertain significance. Last evaluated: 2024-09-06. Review status: criteria provided, single submitter. Criteria: ACMG Guidelines, 2015. Collection method: clinical testing. Allele origin: germline. Observed: 1 variant allele.
Comment: PM2_supporting